The following is an entry in ClinVar:

ClinVar aggregate classification (germline): Uncertain significance. Review status: criteria provided, single submitter (1 of 4 stars). 2 submissions from 2 submitters: Uncertain significance (1). 1 of the submissions does not count toward it. Last evaluated 2018-12-19.

Conditions:
Ataxia-telangiectasia syndrome (AT). Also called: ATAXIA-TELANGIECTASIA, FRESNO VARIANT; Ataxia-telangiectasia, complementation group D; Cerebello-oculocutaneous telangiectasia; Immunodeficiency with ataxia telangiectasia; Ataxia-telangiectasia; Ataxia telangiectasia (A-T). Identifiers: Orphanet 100, MedGen C0004135, MONDO:0008840, OMIM 208900.

Submissions (2):

Labcorp Genetics (formerly Invitae), Labcorp
Classification: Uncertain significance for Ataxia-telangiectasia syndrome. Last evaluated: 2018-12-19. Review status: criteria provided, single submitter. Criteria: Invitae Variant Classification Sherloc (09022015). Collection method: clinical testing. Allele origin: germline.
Comment: This sequence change replaces leucine with glutamine at codon 651 of the ATM protein (p.Leu651Gln). The leucine residue is highly conserved and there is a moderate physicochemical difference between leucine and glutamine. This variant is not present in population databases (ExAC no frequency). This variant has not been reported in the literature in individuals with ATM-related disease. Algorithms developed to predict the effect of missense changes on protein structure and function (SIFT, PolyPhen-2, Align-GVGD) all suggest that this variant is likely to be disruptive, but these predictions have not been confirmed by published functional studies and their clinical significance is uncertain. In summary, the available evidence is currently insufficient to determine the role of this variant in disease. Therefore, it has been classified as a Variant of Uncertain Significance.

Natera, Inc.
Classification: Uncertain significance for Ataxia-telangiectasia. Last evaluated: 2020-09-09. Review status: no assertion criteria provided. Collection method: clinical testing. Allele origin: germline. Not counted in ClinVar's aggregate classification.

NM_000051.4(ATM):c.1952T>A (p.Leu651Gln)

Gene: ATM (ATM serine/threonine kinase; plus strand). Cytogenetic location: 11q22.3.
Variant type: single nucleotide variant.
Coding change: c.1952T>A on transcript NM_000051.4 (MANE Select); coding-DNA position 1952, T replaced by A.
Protein change: p.Leu651Gln; replaces leucine 651 with glutamine.
Molecular consequence: missense variant.
Genome position (GRCh38, 1-based): chr11:108,253,867, T>A. VCF-style: chr11-108253867-T-A. GRCh37 (hg19) VCF-style: chr11-108124594-T-A.
Other names: c.1952T>A, p.Leu651Gln (NM_001351834.2); short protein forms L651Q.
Identifiers: ClinVar variation 657520 (VCV000657520.5), dbSNP rs1555073179, ClinGen allele CA382536691.